The following is an entry in ClinVar:

NM_015021.3(ZNF292):c.2542T>A (p.Ser848Thr)

Gene: ZNF292 (zinc finger protein 292; plus strand). Cytogenetic location: 6q14.3.
Variant type: single nucleotide variant.
Coding change: c.2542T>A on transcript NM_015021.3 (MANE Select); coding-DNA position 2542, T replaced by A.
Protein change: p.Ser848Thr; replaces serine 848 with threonine.
Molecular consequence: missense variant.
Genome position (GRCh38, 1-based): chr6:87,256,171, T>A. VCF-style: chr6-87256171-T-A. GRCh37 (hg19) VCF-style: chr6-87965889-T-A.
Other names: c.2122T>A, p.Ser708Thr (NM_001351444.2); short protein forms S708T, S848T.
Identifiers: ClinVar variation 4076350 (VCV004076350.1).

ClinVar aggregate classification (germline): Uncertain significance (1 of 4 stars; one submission).

Conditions:
Intellectual developmental disorder, autosomal dominant 64. Also called: MENTAL RETARDATION, AUTOSOMAL DOMINANT 64. Identifiers: MedGen C5543067, MONDO:0030934, OMIM 619188.

Submission:

Laboratorio de Genetica e Diagnostico Molecular, Hospital Israelita Albert Einstein
Classification: Uncertain significance for Intellectual developmental disorder, autosomal dominant 64. Last evaluated: 2024-07-26. Review status: criteria provided, single submitter. Criteria: ACMG Guidelines, 2015. Collection method: clinical testing. Allele origin: germline. Affected: yes.
Comment: ACMG classification criteria: PM2 supporting, BP4 supporting